The following is an entry in ClinVar:

ClinVar aggregate classification (germline): Uncertain significance (1 of 4 stars; one submission).

Conditions:
Hermansky-Pudlak syndrome 2 (HPS2). Also called: Platelet defects and oculocutaneous albinism. Identifiers: Orphanet 183678, Orphanet 79430, MedGen C1842362, MONDO:0011997, OMIM 608233.

Allele frequency attached by ClinVar (database versions not stated): gnomAD exomes below 0.00001.
gnomAD v4.1: 1 of 1,613,240 alleles (0.000062%); highest among the groups gnomAD compares: Non-Finnish European, 0.000085%; no homozygotes.

Submission:

Labcorp Genetics (formerly Invitae), Labcorp
Classification: Uncertain significance for Hermansky-Pudlak syndrome 2. Last evaluated: 2021-11-08. Review status: criteria provided, single submitter. Criteria: Invitae Variant Classification Sherloc (09022015). Collection method: clinical testing. Allele origin: germline.
Comment: In summary, the available evidence is currently insufficient to determine the role of this variant in disease. Therefore, it has been classified as a Variant of Uncertain Significance. Algorithms developed to predict the effect of missense changes on protein structure and function (SIFT, PolyPhen-2, Align-GVGD) all suggest that this variant is likely to be tolerated. This variant has not been reported in the literature in individuals affected with AP3B1-related conditions. This variant is not present in population databases (gnomAD no frequency). This sequence change replaces asparagine, which is neutral and polar, with threonine, which is neutral and polar, at codon 303 of the AP3B1 protein (p.Asn303Thr).

NM_003664.5(AP3B1):c.908A>C (p.Asn303Thr)

Gene: AP3B1 (adaptor related protein complex 3 subunit beta 1; minus strand). Cytogenetic location: 5q14.1.
Variant type: single nucleotide variant.
Coding change: c.908A>C on transcript NM_003664.5 (MANE Select); coding-DNA position 908, A replaced by C.
Protein change: p.Asn303Thr; replaces asparagine 303 with threonine.
Molecular consequence: missense variant.
Genome position (GRCh38, 1-based): chr5:78,181,541, T>G on the plus strand (A>C on the coding strand, the complement: AP3B1 is on the minus strand). VCF-style: chr5-78181541-T-G. GRCh37 (hg19) VCF-style: chr5-77477365-T-G.
Other names: c.761A>C, p.Asn254Thr (NM_001271769.2); short protein forms N254T, N303T.
Identifiers: ClinVar variation 1476002 (VCV001476002.6), dbSNP rs2112414100, ClinGen allele CA360190264.